The following is an entry in ClinVar:

NM_001371596.2(MFSD8):c.1061dup (p.Leu354fs)

Gene: MFSD8 (major facilitator superfamily domain containing 8; minus strand). Cytogenetic location: 4q28.2.
Variant type: Duplication.
Coding change: c.1061dup on transcript NM_001371596.2 (MANE Select); coding-DNA position 1061, one base duplicated (T; older notation c.1061dupT).
Protein change: p.Leu354fs; shifts the reading frame from leucine 354.
Molecular consequence: frameshift variant.
Genome position (GRCh38, 1-based): chr4:127,921,901, A duplicated on the plus strand (T on the coding strand, the reverse complement: MFSD8 is on the minus strand); the first of 2 consecutive A bases (chr4:127,921,901-127,921,902); duplicating either gives the same sequence. VCF-style (leftmost placement, unchanged base first): chr4-127921900-C-CA. GRCh37 (hg19) VCF-style: chr4-128843055-C-CA.
Other names: c.859dup, p.Leu287Phefs (NM_001363520.3); c.745dup, p.Leu249Phefs (NM_001363521.3); c.925dup, p.Leu309Phefs (NM_001371590.2); c.1060dup, p.Leu354Phefs (NM_001371591.2); c.1066dup, p.Leu356Phefs (NM_001371592.2); c.946dup, p.Leu316Phefs (NM_001371593.2); c.913dup, p.Leu305Phefs (NM_001371594.2); c.779dup, p.Leu260fs (NM_001371595.1); and 2 more; short protein forms L249fs, L287fs, L354fs, L260fs, L305fs, L309fs, L316fs, L356fs.
Identifiers: ClinVar variation 280638 (VCV000280638.4), dbSNP rs886041806, ClinGen allele CA10602922.

ClinVar aggregate classification (germline): Pathogenic (1 of 4 stars; one submission).

Submission:

GeneDx
Classification: Pathogenic. Last evaluated: 2016-05-26. Review status: criteria provided, single submitter. Criteria: GeneDx Variant Classification (06012015). Collection method: clinical testing. Allele origin: germline. Affected: yes.
Comment: The c.1061dupT pathogenic variant in the MFSD8 gene has not been reported previously as a pathogenic variant nor as a benign variant, to our knowledge. This variant causes a frameshift starting with codon Leucine 354, changes this amino acid to a Phenylalanine residue, and creates a premature Stop codon at position 19 of the new reading frame, denoted p.Leu354PhefsX19. This variant is predicted to cause loss of normal protein function either through protein truncation or nonsense-mediated mRNA decay. The c.1061dupT variant was not observed in approximately 6500 individuals of European and African American ancestry in the NHLBI Exome Sequencing Project, indicating it is not a common benign variant in these populations. We interpret c.1061dupT as a pathogenic variant.